The following is an entry in ClinVar:

NM_025257.3(SLC44A4):c.937+9C>T

Gene: SLC44A4 (solute carrier family 44 member 4; minus strand). Cytogenetic location: 6p21.33.
Variant type: single nucleotide variant.
Coding change: c.937+9C>T on transcript NM_025257.3 (MANE Select); 9 bases into the intron after coding-DNA position 937, C replaced by T.
Molecular consequence: intron variant.
Genome position (GRCh38, 1-based): chr6:31,870,803, G>A on the plus strand (C>T on the coding strand, the complement: SLC44A4 is on the minus strand). VCF-style: chr6-31870803-G-A. GRCh37 (hg19) VCF-style: chr6-31838580-G-A.
Other names: c.811+9C>T (NM_001178044.2); c.709+9C>T (NM_001178045.2); c.937+9C>T (NM_025257.2).
Identifiers: ClinVar variation 1620675 (VCV001620675.11), dbSNP rs371104809, ClinGen allele CA3725552.

ClinVar aggregate classification (germline): Benign/Likely benign. Review status: criteria provided, multiple submitters, no conflicts (2 of 4 stars). 3 submissions from 3 submitters: Benign (1); Likely benign (1). 1 of the submissions does not count toward it. Last evaluated 2025-12-01.

Conditions:
SLC44A4-related disorder. Also called: SLC44A4-related condition.

Allele frequency attached by ClinVar (database versions not stated): 1000 Genomes Project 30x 0.00016; 1000 Genomes Project 0.00020; ESP Exome Variant Server 0.00024; gnomAD 0.00048 and 0.00052; TOPMed 0.00050; ExAC 0.00071; gnomAD exomes 0.00078.
gnomAD v4.1: 677 of 1,612,960 alleles (0.042%); highest among the groups gnomAD compares: Middle Eastern, 0.46%; 3 homozygotes.

Submissions (3):

Labcorp Genetics (formerly Invitae), Labcorp
Classification: Benign. Last evaluated: 2025-12-01. Review status: criteria provided, single submitter. Criteria: Invitae Variant Classification Sherloc (09022015). Collection method: clinical testing. Allele origin: germline.

Blueprint Genetics
Classification: Likely benign. Last evaluated: 2024-11-11. Review status: criteria provided, single submitter. Criteria: ACMG Guidelines, 2015. Collection method: clinical testing. Allele origin: germline.

PreventionGenetics, part of Exact Sciences
Classification: Benign for SLC44A4-related condition. Last evaluated: 2023-12-08. Review status: no assertion criteria provided. Collection method: clinical testing. Allele origin: germline. Not counted in ClinVar's aggregate classification.
Comment: This variant is classified as benign based on ACMG/AMP sequence variant interpretation guidelines (Richards et al. 2015 PMID: 25741868, with internal and published modifications).